The following is an entry in ClinVar:

ClinVar aggregate classification (germline): Pathogenic (1 of 4 stars; one submission).

Conditions:
Granulomatous disease, chronic, autosomal recessive, cytochrome b-positive, type 2. Also called: GRANULOMATOUS DISEASE, CHRONIC, AUTOSOMAL RECESSIVE, 2; CGD, AUTOSOMAL RECESSIVE CYTOCHROME b-POSITIVE, TYPE II; Chronic granulomatous disease due to deficiency of NCF-2; Chronic Granulomatous Disease, Autosomal Recessive, Cytochrome b-Positive, Type II; GRANULOMATOUS DISEASE, CHRONIC, DUE TO NCF2 DEFICIENCY. Identifiers: Orphanet 379, MedGen C1856245, MONDO:0009310, OMIM 233710.

Submission:

Labcorp Genetics (formerly Invitae), Labcorp
Classification: Pathogenic for Granulomatous disease, chronic, autosomal recessive, cytochrome b-positive, type 2. Last evaluated: 2020-12-10. Review status: criteria provided, single submitter. Criteria: Invitae Variant Classification Sherloc (09022015). Collection method: clinical testing. Allele origin: germline.
Comment: This variant is not present in population databases (ExAC no frequency). This sequence change creates a premature translational stop signal (p.Ala59Profs*40) in the NCF2 gene. It is expected to result in an absent or disrupted protein product. Loss-of-function variants in NCF2 are known to be pathogenic (PMID: 10498624, 20167518). For these reasons, this variant has been classified as Pathogenic. Algorithms developed to predict the effect of sequence changes on RNA splicing suggest that this variant may disrupt the consensus splice site, but this prediction has not been confirmed by published transcriptional studies. This variant has not been reported in the literature in individuals with NCF2-related conditions.

Literature cited by the submitters: PubMed 10498624; PubMed 20167518.

NC_000001.11:g.183586978del

Gene: NCF2 (neutrophil cytosolic factor 2; minus strand). Cytogenetic location: 1q25.3.
Variant type: Deletion.
Genome position: GRCh38 VCF-style: chr1-183586976-GC-G. GRCh37 (hg19) VCF-style: chr1-183556111-GC-G.
Identifiers: ClinVar variation 1458116 (VCV001458116.6), dbSNP rs2102934597, ClinGen allele CA2573131278.
Genomic context (GRCh38, chr1:183,586,976, plus strand): 5'-ATCCCTCGTTGGAAGTAAGCCACTGCCAAGTGCTTGTCTCGGTTAATGCTTCTGGTAAAG[GC>G]CTGAGGAGAGAAGGGTCCAGACATGGCCATGATGCAAGGCAGTGAGGAGGTGTGAGATGA-3'